The following is an entry in ClinVar:

NM_001267550.2(TTN):c.53790C>A (p.His17930Gln)

Genes: TTN (titin; minus strand), TTN-AS1 (TTN antisense RNA 1; plus strand). Cytogenetic location: 2q31.2.
Variant type: single nucleotide variant.
Coding change: c.53790C>A on transcript NM_001267550.2 (MANE Select); coding-DNA position 53790, C replaced by A.
Protein change: p.His17930Gln; replaces histidine 17930 with glutamine.
Molecular consequence: missense variant.
Genome position (GRCh38, 1-based): chr2:178,605,505, G>T on the plus strand (C>A on the coding strand, the complement: TTN is on the minus strand). VCF-style: chr2-178605505-G-T. GRCh37 (hg19) VCF-style: chr2-179470232-G-T.
Other names: c.48867C>A, p.His16289Gln (NM_001256850.1); c.26595C>A, p.His8865Gln (NM_003319.4); c.46086C>A, p.His15362Gln (NM_133378.4); c.26970C>A, p.His8990Gln (NM_133432.3); c.27171C>A, p.His9057Gln (NM_133437.4); short protein forms H16289Q, H8990Q, H9057Q, H17930Q, H8865Q, H15362Q.
Identifiers: ClinVar variation 4984417 (VCV004984417.1).

ClinVar aggregate classification (germline): Uncertain significance (1 of 4 stars; one submission).

Conditions:
TTN-related disorder. Also called: TTN-related disorders; TTN-related condition; TTN-related disease.

gnomAD v4.1: 6 of 1,612,192 alleles (0.00037%); highest among the groups gnomAD compares: Non-Finnish European, 0.00051%; no homozygotes.

Submission:

PreventionGenetics, part of Exact Sciences
Classification: Uncertain significance for TTN-related condition. Last evaluated: 2025-05-22. Review status: criteria provided, single submitter. Criteria: ACMG Guidelines, 2015. Collection method: clinical testing. Allele origin: germline.
Comment: The TTN c.53790C>A variant is predicted to result in the amino acid substitution p.His17930Gln. To our knowledge, this variant has not been reported in the literature. This variant is reported in 0.0065% of alleles in individuals of European (Non-Finnish) descent in gnomAD. At this time, the clinical significance of this variant is uncertain due to the absence of conclusive functional and genetic evidence.